The following is an entry in ClinVar:

ClinVar aggregate classification (germline): Conflicting classifications of pathogenicity. Review status: criteria provided, conflicting classifications (1 of 4 stars). 2 submissions from 2 submitters: Uncertain significance (1); Likely benign (1). Last evaluated 2025-10-02.

Conditions:
Cardiovascular phenotype. Identifiers: MedGen CN230736.
Dilated cardiomyopathy 1DD (CMD1DD). Identifiers: Orphanet 154, MedGen C2750995, MONDO:0013168, OMIM 613172.

Allele frequency attached by ClinVar (database versions not stated): gnomAD exomes 0.00001; TOPMed 0.00005; ESP Exome Variant Server 0.00022.
gnomAD v4.1: 16 of 1,551,524 alleles (0.001%); highest among the groups gnomAD compares: African/African-American, 0.0068%; no homozygotes.

Submissions (2):

Labcorp Genetics (formerly Invitae), Labcorp
Classification: Likely benign for Dilated cardiomyopathy 1DD. Last evaluated: 2025-10-02. Review status: criteria provided, single submitter. Criteria: Invitae Variant Classification Sherloc (09022015). Collection method: clinical testing. Allele origin: germline.

Ambry Genetics
Classification: Uncertain significance for Cardiovascular phenotype. Last evaluated: 2023-05-05. Review status: criteria provided, single submitter. Criteria: Ambry Variant Classification Scheme 2023. Collection method: clinical testing. Allele origin: germline.
Comment: The p.A117T variant (also known as c.349G>A), located in coding exon 2 of the RBM20 gene, results from a G to A substitution at nucleotide position 349. The alanine at codon 117 is replaced by threonine, an amino acid with similar properties. This variant was detected in a cardiomyopathy genetic testing cohort; however, clinical details were limited, and additional cardiac variants were detected in some cases (van Lint FHM et al. Neth Heart J, 2019 Jun;27:304-309). This amino acid position is highly conserved in available vertebrate species. In addition, the in silico prediction for this alteration is inconclusive. Since supporting evidence is limited at this time, the clinical significance of this alteration remains unclear.

Literature cited by the submitters: PubMed 30847666 (cited by Ambry Genetics).

NM_001134363.3(RBM20):c.349G>A (p.Ala117Thr)

Gene: RBM20 (RNA binding motif protein 20; plus strand). Cytogenetic location: 10q25.2.
Variant type: single nucleotide variant.
Coding change: c.349G>A on transcript NM_001134363.3 (MANE Select); coding-DNA position 349, G replaced by A.
Protein change: p.Ala117Thr; replaces alanine 117 with threonine.
Molecular consequence: missense variant.
Genome position (GRCh38, 1-based): chr10:110,780,958, G>A. VCF-style: chr10-110780958-G-A. GRCh37 (hg19) VCF-style: chr10-112540716-G-A.
Other names: c.349G>A (NM_001134363.1); short protein forms A117T.
Identifiers: ClinVar variation 847441 (VCV000847441.11), dbSNP rs373480063, ClinGen allele CA213234582.